The following is an entry in ClinVar:

NM_033305.3(VPS13A):c.2904+1G>T

Gene: VPS13A (vacuolar protein sorting 13 homolog A; plus strand). Cytogenetic location: 9q21.2.
Variant type: single nucleotide variant.
Coding change: c.2904+1G>T on transcript NM_033305.3 (MANE Select); the canonical splice donor site of the intron after coding-DNA position 2904, G replaced by T.
Molecular consequence: splice donor variant.
Genome position (GRCh38, 1-based): chr9:77,280,239, G>T. VCF-style: chr9-77280239-G-T. GRCh37 (hg19) VCF-style: chr9-79895155-G-T.
Other names: c.2904+1G>T (NM_001018037.2, NM_015186.4, NM_001018038.3).
Identifiers: ClinVar variation 5004882 (VCV005004882.1).

ClinVar aggregate classification (germline): Likely pathogenic (1 of 4 stars; one submission).

Conditions:
VPS13A-related neurodegenerative disease. Also called: Choreoacanthocytosis; Chorea-acanthocytosis; LEVINE-CRITCHLEY SYNDROME; VPS13A Disease; Choreaacanthocytosis; ACANTHOCYTOSIS WITH NEUROLOGIC DISORDER. Identifiers: Orphanet 2388, MedGen C0393576, MONDO:0008695, OMIM 200150.

Submission:

Myriad Genetics, Inc.
Classification: Likely pathogenic for VPS13A-related neurodegenerative disease. Last evaluated: 2026-09-02. Review status: criteria provided, single submitter. Criteria: Myriad Autosomal Dominant, Autosomal Recessive and X-Linked Classification Criteria (2023). Collection method: clinical testing. Allele origin: unknown.
Comment: NM_033305.2(VPS13A):c.2904+1G>T is a variant in a canonical splice site classified as likely pathogenic in the context of VPS13A disease. c.2904+1G>T has not been observed in cases with relevant disease. Relevant functional assessments of this variant are not available in the literature. c.2904+1G>T has not been observed in referenced population frequency databases. In summary, NM_033305.2(VPS13A):c.2904+1G>T is a variant in a canonical splice site in a gene where loss of function is a known mechanism of disease and is predicted to disrupt protein function. Please note: this variant was assessed in the context of healthy population screening.